The following is an entry in ClinVar:

NM_000540.3(RYR1):c.9742C>T (p.Arg3248Trp)

Gene: RYR1 (ryanodine receptor 1; plus strand). Cytogenetic location: 19q13.2.
Variant type: single nucleotide variant.
Coding change: c.9742C>T on transcript NM_000540.3 (MANE Select); coding-DNA position 9742, C replaced by T.
Protein change: p.Arg3248Trp; replaces arginine 3248 with tryptophan.
Molecular consequence: missense variant.
Genome position (GRCh38, 1-based): chr19:38,517,415, C>T. VCF-style: chr19-38517415-C-T. GRCh37 (hg19) VCF-style: chr19-39008055-C-T.
Other names: c.9742C>T (NM_000540.2); c.9742C>T, p.Arg3248Trp (NM_001042723.2); short protein forms R3248W.
Identifiers: ClinVar variation 1046349 (VCV001046349.9), dbSNP rs761656403, ClinGen allele CA074105.

ClinVar aggregate classification (germline): Uncertain significance. Review status: criteria provided, multiple submitters, no conflicts (2 of 4 stars). 3 submissions from 3 submitters: Uncertain significance (3). Last evaluated 2024-12-07.

Conditions:
RYR1-related disorder. Also called: RYR1-related condition; RYR1-related disorders. Identifiers: MedGen CN239331.
Malignant hyperthermia, susceptibility to, 1 (MHS1). Also called: Anesthesia related hyperthermia; Malignant hyperpyrexia; Fulminating hyperpyrexia; Pharmacogenic myopathy; RYR1-Related Malignant Hyperthermia Susceptibility; Malignant hyperthermia suceptibility 1. Identifiers: Orphanet 423, MedGen C2930980, MONDO:0007783, OMIM 145600.
Inborn genetic diseases. Identifiers: MedGen C0950123, MeSH D030342.

Allele frequency attached by ClinVar (database versions not stated): gnomAD 0.00001; ExAC 0.00002; gnomAD exomes 0.00002.
gnomAD v4.1: 21 of 1,613,946 alleles (0.0013%); highest among the groups gnomAD compares: East Asian, 0.0045%; no homozygotes.

Submissions (3):

Ambry Genetics
Classification: Uncertain significance for Inborn genetic diseases. Last evaluated: 2024-12-07. Review status: criteria provided, single submitter. Criteria: Ambry Variant Classification Scheme 2023. Collection method: clinical testing. Allele origin: germline.

All of Us Research Program, National Institutes of Health
Classification: Uncertain significance for Malignant hyperthermia, susceptibility to, 1. Last evaluated: 2023-12-01. Review status: criteria provided, single submitter. Criteria: ACMG Guidelines, 2015. Collection method: clinical testing. Allele origin: germline. Inheritance: Autosomal dominant inheritance. Observed: 3 variant alleles, 3 heterozygotes.
Comment: This missense variant replaces arginine with tryptophan at codon 3248 of the RYR1 protein. Computational prediction suggests that this variant may not impact protein structure and function (internally defined REVEL score threshold <= 0.5, PMID: 27666373). To our knowledge, functional studies have not been reported for this variant. This variant has not been reported in individuals affected with RYR1-related disorders in the literature. This variant has been identified in 4/249350 chromosomes in the general population by the Genome Aggregation Database (gnomAD). The available evidence is insufficient to determine the role of this variant in disease conclusively. Therefore, this variant is classified as a Variant of Uncertain Significance.

This study involves interpretation of variants in research participants for the purpose of population health screening. Participant phenotype was not available at the time of variant classification. Additional details can be found in publication PMID: 35346344, PMCID: PMC8962531

Labcorp Genetics (formerly Invitae), Labcorp
Classification: Uncertain significance for RYR1-related disorder. Last evaluated: 2023-10-17. Review status: criteria provided, single submitter. Criteria: Invitae Variant Classification Sherloc (09022015). Collection method: clinical testing. Allele origin: germline.
Comment: This sequence change replaces arginine, which is basic and polar, with tryptophan, which is neutral and slightly polar, at codon 3248 of the RYR1 protein (p.Arg3248Trp). This variant is present in population databases (rs761656403, gnomAD 0.01%). This missense change has been observed in individual(s) with malignant hyperthermia susceptibility (Invitae). ClinVar contains an entry for this variant (Variation ID: 1046349). Advanced modeling of protein sequence and biophysical properties (such as structural, functional, and spatial information, amino acid conservation, physicochemical variation, residue mobility, and thermodynamic stability) performed at Invitae indicates that this missense variant is not expected to disrupt RYR1 protein function. In summary, the available evidence is currently insufficient to determine the role of this variant in disease. Therefore, it has been classified as a Variant of Uncertain Significance.